The following is an entry in ClinVar:

NM_001365088.1(SLC12A6):c.374G>T (p.Gly125Val)

Gene: SLC12A6 (solute carrier family 12 member 6; minus strand). Cytogenetic location: 15q14.
Variant type: single nucleotide variant.
Coding change: c.374G>T on transcript NM_001365088.1 (MANE Select); coding-DNA position 374, G replaced by T.
Protein change: p.Gly125Val; replaces glycine 125 with valine.
Molecular consequence: missense variant.
Genome position (GRCh38, 1-based): chr15:34,260,963, C>A on the plus strand (G>T on the coding strand, the complement: SLC12A6 is on the minus strand). VCF-style: chr15-34260963-C-A. GRCh37 (hg19) VCF-style: chr15-34553164-C-A.
Other names: c.197G>T, p.Gly66Val (NM_001042494.2, NM_001042495.2); c.347G>T, p.Gly116Val (NM_001042496.2); c.329G>T, p.Gly110Val (NM_001042497.2); c.221G>T, p.Gly74Val (NM_005135.2); c.374G>T, p.Gly125Val (NM_133647.2); short protein forms G125V, G74V, G66V, G110V, G116V.
Identifiers: ClinVar variation 450842 (VCV000450842.6), dbSNP rs759907642, ClinGen allele CA7464582.

ClinVar aggregate classification (germline): Uncertain significance. Review status: criteria provided, multiple submitters, no conflicts (2 of 4 stars). 3 submissions from 3 submitters: Uncertain significance (2). 1 of the submissions does not count toward it. Last evaluated 2024-12-22.

Conditions:
Agenesis of the corpus callosum with peripheral neuropathy (ACCPN). Also called: POLYNEUROPATHY, SENSORIMOTOR, WITH OR WITHOUT AGENESIS OF THE CORPUS CALLOSUM; HMSN/ACC; CHARLEVOIX DISEASE; Hereditary Motor and Sensory Neuropathy with Agenesis of the Corpus Callosum. Identifiers: Orphanet 1496, MedGen C0795950, MONDO:0000902, OMIM 218000. Disease mechanism: loss of function.

Allele frequency attached by ClinVar (database versions not stated): TOPMed 0.00001; ExAC 0.00003.
gnomAD v4.1: 14 of 1,563,746 alleles (0.0009%); highest among the groups gnomAD compares: Middle Eastern, 0.15%; no homozygotes.

Submissions (3):

Labcorp Genetics (formerly Invitae), Labcorp
Classification: Uncertain significance. Last evaluated: 2024-12-22. Review status: criteria provided, single submitter. Criteria: Invitae Variant Classification Sherloc (09022015). Collection method: clinical testing. Allele origin: germline.
Comment: This sequence change replaces glycine, which is neutral and non-polar, with valine, which is neutral and non-polar, at codon 125 of the SLC12A6 protein (p.Gly125Val). This variant is present in population databases (rs759907642, gnomAD 0.002%). This variant has not been reported in the literature in individuals affected with SLC12A6-related conditions. ClinVar contains an entry for this variant (Variation ID: 450842). Invitae Evidence Modeling of protein sequence and biophysical properties (such as structural, functional, and spatial information, amino acid conservation, physicochemical variation, residue mobility, and thermodynamic stability) indicates that this missense variant is not expected to disrupt SLC12A6 protein function with a negative predictive value of 80%. In summary, the available evidence is currently insufficient to determine the role of this variant in disease. Therefore, it has been classified as a Variant of Uncertain Significance.

GeneDx
Classification: Uncertain significance. Last evaluated: 2017-07-25. Review status: criteria provided, single submitter. Criteria: GeneDx Variant Classification (06012015). Collection method: clinical testing. Allele origin: germline. Affected: yes.
Comment: A variant of uncertain significance has been identified in the SLC12A6 gene. The G125V variant has not beenpublished as a pathogenic variant, nor has it been reported as a benign variant to our knowledge. The G125V variantis not observed at a significant frequency in large population cohorts (Lek et al., 2016; 1000 Genomes Consortium etal., 2015; Exome Variant Server). The G125V variant is a conservative amino acid substitution, which is not likelyto impact secondary protein structure as these residues share similar properties. This substitution occurs at a positionthat is conserved in mammals. In silico analysis predicts this variant is probably damaging to the proteinstructure/function. Therefore, based on the currently available information, it is unclear whether this variant is apathogenic variant or a rare benign variant

Natera, Inc.
Classification: Uncertain significance for Andermann syndrome. Last evaluated: 2019-11-11. Review status: no assertion criteria provided. Collection method: clinical testing. Allele origin: germline. Not counted in ClinVar's aggregate classification.